The following is an entry in ClinVar:

ClinVar aggregate classification (germline): Uncertain significance (1 of 4 stars; one submission).

Conditions:
Progressive myoclonic epilepsy type 3. Also called: EPILEPSY, PROGRESSIVE MYOCLONIC, 3, WITH OR WITHOUT INTRACELLULAR INCLUSIONS; CEROID LIPOFUSCINOSIS, NEURONAL, 14; EPILEPSY, PROGRESSIVE MYOCLONIC, 3, WITHOUT INTRACELLULAR INCLUSIONS; KCTD7-Related Progressive Myoclonic Epilepsy. Identifiers: Orphanet 263516, MedGen C2673257, MONDO:0012721, OMIM 611726.

Allele frequency attached by ClinVar (database versions not stated): ExAC 0.00003.

Submission:

Labcorp Genetics (formerly Invitae), Labcorp
Classification: Uncertain significance for Progressive myoclonic epilepsy type 3. Last evaluated: 2023-08-17. Review status: criteria provided, single submitter. Criteria: Invitae Variant Classification Sherloc (09022015). Collection method: clinical testing. Allele origin: germline.
Comment: In summary, the available evidence is currently insufficient to determine the role of this variant in disease. Therefore, it has been classified as a Variant of Uncertain Significance. An algorithm developed to predict the effect of missense changes on protein structure and function (PolyPhen-2) suggests that this variant is likely to be disruptive. ClinVar contains an entry for this variant (Variation ID: 1058123). This variant has not been reported in the literature in individuals affected with KCTD7-related conditions. The frequency data for this variant in the population databases is considered unreliable, as metrics indicate poor data quality at this position in the gnomAD database. This sequence change replaces aspartic acid, which is acidic and polar, with glutamic acid, which is acidic and polar, at codon 15 of the KCTD7 protein (p.Asp15Glu).

NM_153033.5(KCTD7):c.45C>A (p.Asp15Glu)

Genes: KCTD7 (potassium channel tetramerization domain containing 7; plus strand), LOC129998533 (ATAC-STARR-seq lymphoblastoid silent region 18210; plus strand). Cytogenetic location: 7q11.21.
Variant type: single nucleotide variant.
Coding change: c.45C>A on transcript NM_153033.5 (MANE Select); coding-DNA position 45, C replaced by A.
Protein change: p.Asp15Glu; replaces aspartic acid 15 with glutamic acid.
Molecular consequence: missense variant.
Genome position (GRCh38, 1-based): chr7:66,629,109, C>A. VCF-style: chr7-66629109-C-A. GRCh37 (hg19) VCF-style: chr7-66094096-C-A.
Other names: c.45C>A, p.Asp15Glu (NM_001167961.2); short protein forms D15E.
Identifiers: ClinVar variation 1058123 (VCV001058123.9), dbSNP rs751937729, ClinGen allele CA4278149.